The following is an entry in ClinVar:

NM_002335.4(LRP5):c.*4C>T

Gene: LRP5 (LDL receptor related protein 5; plus strand). Cytogenetic location: 11q13.2.
Variant type: single nucleotide variant.
Coding change: c.*4C>T on transcript NM_002335.4 (MANE Select); 4 bases downstream of the stop codon, C replaced by T.
Molecular consequence: 3 prime UTR variant.
Genome position (GRCh38, 1-based): chr11:68,449,074, C>T. VCF-style: chr11-68449074-C-T. GRCh37 (hg19) VCF-style: chr11-68216542-C-T.
Other names: c.*4C>T (NM_001291902.2, NM_002335.3).
Identifiers: ClinVar variation 594168 (VCV000594168.7), dbSNP rs374104266, ClinGen allele CA6150525.

ClinVar aggregate classification (germline): Conflicting classifications of pathogenicity. Review status: criteria provided, conflicting classifications (1 of 4 stars). 3 submissions from 3 submitters: Uncertain significance (1); Likely benign (1). 1 of the submissions does not count toward it. Last evaluated 2024-11-27.

Conditions:
LRP5-related disorder. Also called: LRP5-related condition.

Allele frequency attached by ClinVar (database versions not stated): TOPMed 0.00009; ESP Exome Variant Server 0.00015; gnomAD 0.00017; 1000 Genomes Project 0.00020; gnomAD exomes 0.00025 and 0.00033; 1000 Genomes Project 30x 0.00047; ExAC 0.00048.
gnomAD v4.1: 370 of 1,534,316 alleles (0.024%); highest among the groups gnomAD compares: Non-Finnish European, 0.025%; no homozygotes.

Submissions (3):

Blueprint Genetics
Classification: Likely benign. Last evaluated: 2024-11-27. Review status: criteria provided, single submitter. Criteria: ACMG Guidelines, 2015. Collection method: clinical testing. Allele origin: germline.

Eurofins Ntd Llc (ga)
Classification: Uncertain significance. Last evaluated: 2017-10-06. Review status: criteria provided, single submitter. Criteria: EGL Classification Definitions 2015. Collection method: clinical testing. Allele origin: germline. Observed: 1 variant allele, 1 heterozygote.

PreventionGenetics, part of Exact Sciences
Classification: Likely benign for LRP5-related condition. Last evaluated: 2024-09-16. Review status: no assertion criteria provided. Collection method: clinical testing. Allele origin: germline. Not counted in ClinVar's aggregate classification.
Comment: This variant is classified as likely benign based on ACMG/AMP sequence variant interpretation guidelines (Richards et al. 2015 PMID: 25741868, with internal and published modifications).